The following is an entry in ClinVar:

ClinVar aggregate classification (germline): Conflicting classifications of pathogenicity. Review status: criteria provided, conflicting classifications (1 of 4 stars). 6 submissions from 6 submitters: Uncertain significance (4); Likely benign (1). 1 of the submissions does not count toward it. Last evaluated 2026-04-21.

Conditions:
FREM1-related disorder. Also called: FREM1-Related Disorders; FREM1-related condition.
Oculotrichoanal syndrome (MOTA). Also called: Manitoba Oculotrichoanal (MOTA) Syndrome; MARLES SYNDROME. Identifiers: Orphanet 2717, MedGen C1855425, MONDO:0009560, OMIM 248450.

Allele frequency attached by ClinVar (database versions not stated): 1000 Genomes Project 0.00060; ExAC 0.00061; gnomAD exomes 0.00062 and 0.00095; ESP Exome Variant Server 0.00063; gnomAD 0.00082 and 0.00085; 1000 Genomes Project 30x 0.00094; TOPMed 0.00106.
gnomAD v4.1: 1,485 of 1,607,786 alleles (0.092%); highest among the groups gnomAD compares: Admixed American, 0.24%; 3 homozygotes.

Submissions (6):

GeneDx
Classification: Uncertain significance. Last evaluated: 2026-04-21. Review status: criteria provided, single submitter. Criteria: GeneDx Variant Classification Process June 2021. Collection method: clinical testing. Allele origin: germline.
Comment: In silico analysis supports that this missense variant has a deleterious effect on protein structure/function; Has not been previously published as pathogenic or benign to our knowledge

CeGaT Center for Human Genetics Tuebingen
Classification: Likely benign. Last evaluated: 2026-03-01. Review status: criteria provided, single submitter. Criteria: CeGaT Center For Human Genetics Tuebingen Variant Classification Criteria Version 2. Collection method: clinical testing. Allele origin: germline. Affected: yes. Observed: 1 variant allele.
Comment: FREM1: BP4

Labcorp Genetics (formerly Invitae), Labcorp
Classification: Uncertain significance. Last evaluated: 2022-08-09. Review status: criteria provided, single submitter. Criteria: Invitae Variant Classification Sherloc (09022015). Collection method: clinical testing. Allele origin: germline.
Comment: This sequence change replaces serine, which is neutral and polar, with cysteine, which is neutral and slightly polar, at codon 1049 of the FREM1 protein (p.Ser1049Cys). This variant is present in population databases (rs199961802, gnomAD 0.2%), and has an allele count higher than expected for a pathogenic variant. This variant has not been reported in the literature in individuals affected with FREM1-related conditions. ClinVar contains an entry for this variant (Variation ID: 914725). Algorithms developed to predict the effect of missense changes on protein structure and function (SIFT, PolyPhen-2, Align-GVGD) all suggest that this variant is likely to be tolerated. In summary, the available evidence is currently insufficient to determine the role of this variant in disease. Therefore, it has been classified as a Variant of Uncertain Significance.

Illumina Laboratory Services, Illumina
Classification: Uncertain significance for Oculotrichoanal syndrome. Last evaluated: 2018-01-12. Review status: criteria provided, single submitter. Criteria: ICSL Variant Classification Criteria 13 December 2019. Collection method: clinical testing. Allele origin: germline.

Breakthrough Genomics
Classification: Uncertain significance. Review status: criteria provided, single submitter. Criteria: ACMG Guidelines, 2015. Collection method: not provided. Allele origin: germline. Inheritance: Autosomal recessive inheritance. Affected: yes.

PreventionGenetics, part of Exact Sciences
Classification: Likely benign for FREM1-related condition. Last evaluated: 2022-07-19. Review status: no assertion criteria provided. Collection method: clinical testing. Allele origin: germline. Not counted in ClinVar's aggregate classification.
Comment: This variant is classified as likely benign based on ACMG/AMP sequence variant interpretation guidelines (Richards et al. 2015 PMID: 25741868, with internal and published modifications).

NM_001379081.2(FREM1):c.3146C>G (p.Ser1049Cys)

Gene: FREM1 (FRAS1 related extracellular matrix 1; minus strand). Cytogenetic location: 9p22.3.
Variant type: single nucleotide variant.
Coding change: c.3146C>G on transcript NM_001379081.2 (MANE Select); coding-DNA position 3146, C replaced by G.
Protein change: p.Ser1049Cys; replaces serine 1049 with cysteine.
Molecular consequence: missense variant. On other transcripts: non-coding transcript variant (2).
Genome position (GRCh38, 1-based): chr9:14,806,789, G>C on the plus strand (C>G on the coding strand, the complement: FREM1 is on the minus strand). VCF-style: chr9-14806789-G-C. GRCh37 (hg19) VCF-style: chr9-14806787-G-C.
Other names: c.3146C>G, p.Ser1049Cys (NM_144966.7); short protein forms S1049C.
Identifiers: ClinVar variation 914725 (VCV000914725.14), dbSNP rs199961802, ClinGen allele CA4990671.
Genomic context (GRCh38, chr9:14,806,789, plus strand): 5'-TGAGGAGGAGAAACCAAAACAAATTCCAAGTCATCTGCTGCAGTGTCAGGGTCAGTGGCG[G>C]ACAAATGGTTAACAGTAAGGGCTGTTGAGCAGCCCTCATCTACAACAAACACGGGACCTG-3'
Protein context (NP_001366010.1, residues 1039-1059): CSTALTVNHL[Ser1049Cys]ATDPDTAADD